The following is an entry in ClinVar:

ClinVar aggregate classification (germline): Benign. Review status: criteria provided, multiple submitters, no conflicts (2 of 4 stars). 2 submissions from 2 submitters: Benign (2). Last evaluated 2018-06-14.

Allele frequency attached by ClinVar (database versions not stated): ExAC 0.02165; ESP Exome Variant Server 0.02305; TOPMed 0.02705; gnomAD 0.02809 and 0.02826; 1000 Genomes Project 0.02915; 1000 Genomes Project 30x 0.02951; gnomAD exomes 0.03206.
gnomAD v4.1: 51,982 of 1,531,158 alleles (3.4%); highest among the groups gnomAD compares: East Asian, 5.5%; 1,030 homozygotes.

Submissions (2):

GeneDx
Classification: Benign. Last evaluated: 2018-06-14. Review status: criteria provided, single submitter. Criteria: GeneDx Variant Classification (06012015). Collection method: clinical testing. Allele origin: germline. Affected: yes.
Comment: This variant is considered likely benign or benign based on one or more of the following criteria: it is a conservative change, it occurs at a poorly conserved position in the protein, it is predicted to be benign by multiple in silico algorithms, and/or has population frequency not consistent with disease.

Breakthrough Genomics
Classification: Benign. Review status: criteria provided, single submitter. Criteria: ACMG Guidelines, 2015. Collection method: not provided. Allele origin: germline. Inheritance: Autosomal dominant inheritance. Affected: yes.

NM_001148.6(ANK2):c.1387-48C>T

Gene: ANK2 (ankyrin 2; plus strand). Cytogenetic location: 4q26.
Variant type: single nucleotide variant.
Coding change: c.1387-48C>T on transcript NM_001148.6 (MANE Select); 48 bases into the intron before coding-DNA position 1387, C replaced by T.
Molecular consequence: intron variant.
Genome position (GRCh38, 1-based): chr4:113,264,849, C>T. VCF-style: chr4-113264849-C-T. GRCh37 (hg19) VCF-style: chr4-114186005-C-T.
Other names: c.1375-48C>T (NM_001386186.2, NM_001386148.2); c.1177-48C>T (NM_001354269.3); c.1351-48C>T (NM_001386187.2); c.1345-48C>T (NM_001386147.1, NM_001386160.1, NM_001354261.2); c.1324-48C>T (NM_001354254.2, NM_001354239.2, NM_001354252.2 and 14 more transcripts); c.1300-48C>T (NM_001354249.2, NM_001354266.2, NM_001354276.2 and 13 more transcripts); c.1102-48C>T (NM_001386157.1, NM_001354277.2, NM_001386158.1); c.1432-48C>T (NM_001354241.2, NM_001386152.1, NM_001354237.2 and 5 more transcripts); and 4 more.
Identifiers: ClinVar variation 672179 (VCV000672179.2), dbSNP rs29413, ClinGen allele CA3050280.